The following is an entry in ClinVar:

ClinVar aggregate classification (germline): Uncertain significance (1 of 4 stars; one submission).

Submission:

GeneDx
Classification: Uncertain significance. Last evaluated: 2025-04-19. Review status: criteria provided, single submitter. Criteria: GeneDx Variant Classification Process June 2021. Collection method: clinical testing. Allele origin: germline. Affected: yes.
Comment: Frameshift variant predicted to result in abnormal protein length as the last 33 amino acid(s) are replaced with 12 different amino acid(s); Not observed at significant frequency in large population cohorts (gnomAD); Has not been previously published as pathogenic or benign to our knowledge

NM_181783.4(TMTC3):c.2642dup (p.Thr882fs)

Gene: TMTC3 (transmembrane O-mannosyltransferase targeting cadherins 3; plus strand). Cytogenetic location: 12q21.32.
Variant type: Duplication.
Coding change: c.2642dup on transcript NM_181783.4 (MANE Select); coding-DNA position 2642, one base duplicated (A; older notation c.2642dupA).
Protein change: p.Thr882fs; shifts the reading frame from threonine 882.
Molecular consequence: frameshift variant. On other transcripts: non-coding transcript variant (1).
Genome position (GRCh38, 1-based): chr12:88,195,546, A duplicated. VCF-style (leftmost placement, unchanged base first): chr12-88195545-G-GA. GRCh37 (hg19) VCF-style: chr12-88589322-G-GA.
Other names: c.2462dup, p.Thr822fs (NM_001366574.1); c.2423dup, p.Thr809fs (NM_001366579.1); c.2375dup, p.Thr793fs (NM_001366580.1); c.1949dup, p.Thr651fs (NM_001366583.1); short protein forms T651fs, T793fs, T809fs, T822fs, T882fs.
Identifiers: ClinVar variation 4527385 (VCV004527385.1).